The following is an entry in ClinVar:

ClinVar aggregate classification (germline): Uncertain significance (1 of 4 stars; one submission).

Submission:

Labcorp Genetics (formerly Invitae), Labcorp
Classification: Uncertain significance. Last evaluated: 2022-07-26. Review status: criteria provided, single submitter. Criteria: Invitae Variant Classification Sherloc (09022015). Collection method: clinical testing. Allele origin: germline.
Comment: This sequence change replaces proline, which is neutral and non-polar, with serine, which is neutral and polar, at codon 431 of the IL6R protein (p.Pro431Ser). In summary, the available evidence is currently insufficient to determine the role of this variant in disease. Therefore, it has been classified as a Variant of Uncertain Significance. Algorithms developed to predict the effect of missense changes on protein structure and function output the following: SIFT: "Tolerated"; PolyPhen-2: "Benign"; Align-GVGD: "Class C0". The serine amino acid residue is found in multiple mammalian species, which suggests that this missense change does not adversely affect protein function. ClinVar contains an entry for this variant (Variation ID: 1386584). This variant has not been reported in the literature in individuals affected with IL6R-related conditions. This variant is not present in population databases (gnomAD no frequency).

NM_000565.4(IL6R):c.1291C>T (p.Pro431Ser)

Gene: IL6R (interleukin 6 receptor; plus strand). Cytogenetic location: 1q21.3.
Variant type: single nucleotide variant.
Coding change: c.1291C>T on transcript NM_000565.4 (MANE Select); coding-DNA position 1291, C replaced by T.
Protein change: p.Pro431Ser; replaces proline 431 with serine.
Molecular consequence: missense variant. On other transcripts: 3 prime UTR variant (2).
Genome position (GRCh38, 1-based): chr1:154,465,264, C>T. VCF-style: chr1-154465264-C-T. GRCh37 (hg19) VCF-style: chr1-154437740-C-T.
Other names: c.1390C>T, p.Pro464Ser (NM_001382769.1); c.1384C>T, p.Pro462Ser (NM_001382770.1); c.1339C>T, p.Pro447Ser (NM_001382771.1); c.1285C>T, p.Pro429Ser (NM_001382772.1); c.*99C>T (NM_001382773.1, NM_181359.3); c.931C>T, p.Pro311Ser (NM_001382774.1); short protein forms P311S, P429S, P431S, P447S, P462S, P464S.
Identifiers: ClinVar variation 1386584 (VCV001386584.6), dbSNP rs1691498063, ClinGen allele CA342628588.